The following is an entry in ClinVar:

NM_000350.3(ABCA4):c.5899-2del

Gene: ABCA4 (ATP binding cassette subfamily A member 4; minus strand). Cytogenetic location: 1p22.1.
Variant type: Deletion.
Coding change: c.5899-2del on transcript NM_000350.3 (MANE Select); the canonical splice acceptor site of the intron before coding-DNA position 5899, one base deleted (A; older notation c.5899-2delA).
Molecular consequence: splice acceptor variant.
Genome position (GRCh38, 1-based): chr1:94,007,742, T deleted on the plus strand (A on the coding strand, the reverse complement: ABCA4 is on the minus strand). VCF-style (leftmost placement, unchanged base first): chr1-94007741-CT-C. GRCh37 (hg19) VCF-style: chr1-94473297-CT-C.
Identifiers: ClinVar variation 502303 (VCV000502303.18), dbSNP rs1553187162, ClinGen allele CA645372220.
Genomic context (GRCh38, chr1:94,007,741, plus strand): 5'-AGTGAGCATCTTGAATGTGGTTGTTTTGCCGGCACCATTCACTCCCAGGAGGCCAAAGCA[CT>C]AGGAGAAAACACAGAGCTAGCCTGGCCCTAGAGATCAAGAAGGTCTAAAATGTCAGGCCC-3'

ClinVar aggregate classification (germline): Pathogenic. Review status: criteria provided, multiple submitters, no conflicts (2 of 4 stars). 4 submissions from 4 submitters: Pathogenic (4). Last evaluated 2025-10-21.

Conditions:
ABCA4-related disorder. Also called: ABCA4-related condition; ABCA4-related disorders. Identifiers: MedGen CN239167.

Allele frequency attached by ClinVar (database versions not stated): gnomAD exomes below 0.00001.

Submissions (4):

Labcorp Genetics (formerly Invitae), Labcorp
Classification: Pathogenic. Last evaluated: 2025-10-21. Review status: criteria provided, single submitter. Criteria: Invitae Variant Classification Sherloc (09022015). Collection method: clinical testing. Allele origin: germline.
Comment: This sequence change affects a splice site in intron 42 of the ABCA4 gene. It is expected to disrupt RNA splicing. Variants that disrupt the donor or acceptor splice site typically lead to a loss of protein function (PMID: 16199547), and loss-of-function variants in ABCA4 are known to be pathogenic (PMID: 10958761, 24938718, 25312043, 26780318). This variant is not present in population databases (gnomAD no frequency). Disruption of this splice site has been observed in individuals with ABCA4-related conditions (PMID: 23982839, 25082885; internal data). ClinVar contains an entry for this variant (Variation ID: 502303). Algorithms developed to predict the effect of sequence changes on RNA splicing suggest that this variant may disrupt the consensus splice site. For these reasons, this variant has been classified as Pathogenic.

GeneDx
Classification: Pathogenic. Last evaluated: 2025-01-22. Review status: criteria provided, single submitter. Criteria: GeneDx Variant Classification Process June 2021. Collection method: clinical testing. Allele origin: germline.
Comment: Canonical splice site variant predicted to result in a null allele in a gene for which loss of function is a known mechanism of disease; Not observed at significant frequency in large population cohorts (gnomAD); This variant is associated with the following publications: (PMID: 25082885, 23982839, 36460718, 35120629)

Blueprint Genetics
Classification: Pathogenic for ABCA4-related disorders. Last evaluated: 2021-07-12. Review status: criteria provided, single submitter. Criteria: ACMG Guidelines, 2015. Collection method: clinical testing. Allele origin: germline. Affected: yes. Observed: 4 variant alleles.

Eurofins Ntd Llc (ga)
Classification: Pathogenic. Last evaluated: 2017-06-07. Review status: criteria provided, single submitter. Criteria: EGL Classification Definitions 2015. Collection method: clinical testing. Allele origin: germline. Observed: 1 variant allele, 1 heterozygote.

Literature cited by the submitters: PubMed 16199547 (cited by Labcorp Genetics (formerly Invitae), Labcorp); PubMed 10958761 (cited by Labcorp Genetics (formerly Invitae), Labcorp); PubMed 24938718 (cited by Labcorp Genetics (formerly Invitae), Labcorp); PubMed 25312043 (cited by Labcorp Genetics (formerly Invitae), Labcorp); PubMed 26780318 (cited by Labcorp Genetics (formerly Invitae), Labcorp); PubMed 23982839 (cited by Labcorp Genetics (formerly Invitae), Labcorp); PubMed 25082885 (cited by Labcorp Genetics (formerly Invitae), Labcorp).